The following is an entry in ClinVar:

NM_007194.4(CHEK2):c.1238T>C (p.Leu413Ser)

Gene: CHEK2 (checkpoint kinase 2; minus strand). Cytogenetic location: 22q12.1.
Variant type: single nucleotide variant.
Coding change: c.1238T>C on transcript NM_007194.4 (MANE Select); coding-DNA position 1238, T replaced by C.
Protein change: p.Leu413Ser; replaces leucine 413 with serine.
Molecular consequence: missense variant.
Genome position (GRCh38, 1-based): chr22:28,695,731, A>G on the plus strand (T>C on the coding strand, the complement: CHEK2 is on the minus strand). VCF-style: chr22-28695731-A-G. GRCh37 (hg19) VCF-style: chr22-29091719-A-G.
Other names: c.1367T>C, p.Leu456Ser (NM_001005735.3); c.575T>C, p.Leu192Ser (NM_001257387.3); c.1037T>C, p.Leu346Ser (NM_001349956.3); c.1151T>C, p.Leu384Ser (NM_145862.3); short protein forms L413S, L346S, L384S, L192S, L456S.
Identifiers: ClinVar variation 571447 (VCV000571447.13), dbSNP rs1248967885, ClinGen allele CA411096604.
Genomic context (GRCh38, chr22:28,695,731, plus strand): 5'-CCTCCTACCAGTCTGTGCAGCAATGAAAATATTTCTTACCAGATAAAAAGAATAACTCCT[A>G]AACTCCAGCAGTCCACAGCACGGTTATACCCAGCAGTCCCAACAGAAACAAGAACTTCAG-3'
Protein context (NP_009125.1, residues 403-423): GYNRAVDCWS[Leu413Ser]GVILFICLSG

ClinVar aggregate classification (germline): Uncertain significance. Review status: criteria provided, multiple submitters, no conflicts (2 of 4 stars). 2 submissions from 2 submitters: Uncertain significance (2). Last evaluated 2024-10-18.

Conditions:
Hereditary cancer-predisposing syndrome. Also called: Hereditary neoplastic syndrome; Tumor predisposition; Neoplastic Syndromes, Hereditary; Hereditary Cancer Syndrome. Identifiers: Orphanet 140162, MedGen C0027672, MeSH D009386, MONDO:0015356.
Familial cancer of breast. Also called: hereditary breast carcinoma; BREAST CANCER, FAMILIAL; Hereditary breast cancer. Identifiers: Orphanet 227535, MedGen C0346153, MONDO:0016419, OMIM 114480. Disease mechanism: loss of function.

Allele frequency attached by ClinVar (database versions not stated): gnomAD exomes below 0.00001; TOPMed below 0.00001.
gnomAD v4.1: 1 of 1,613,728 alleles (0.000062%); highest among the groups gnomAD compares: African/African-American, 0.0013%; no homozygotes.

Submissions (2):

Labcorp Genetics (formerly Invitae), Labcorp
Classification: Uncertain significance for Familial cancer of breast. Last evaluated: 2024-10-18. Review status: criteria provided, single submitter. Criteria: Invitae Variant Classification Sherloc (09022015). Collection method: clinical testing. Allele origin: germline.
Comment: This sequence change replaces leucine, which is neutral and non-polar, with serine, which is neutral and polar, at codon 413 of the CHEK2 protein (p.Leu413Ser). This variant is present in population databases (no rsID available, gnomAD 0.007%). This variant has not been reported in the literature in individuals affected with CHEK2-related conditions. ClinVar contains an entry for this variant (Variation ID: 571447). An algorithm developed to predict the effect of missense changes on protein structure and function (PolyPhen-2) suggests that this variant is likely to be disruptive. In summary, the available evidence is currently insufficient to determine the role of this variant in disease. Therefore, it has been classified as a Variant of Uncertain Significance.

Ambry Genetics
Classification: Uncertain significance for Hereditary cancer-predisposing syndrome. Last evaluated: 2024-05-05. Review status: criteria provided, single submitter. Criteria: Ambry Variant Classification Scheme 2023. Collection method: clinical testing. Allele origin: germline.
Comment: The p.L413S variant (also known as c.1238T>C), located in coding exon 10 of the CHEK2 gene, results from a T to C substitution at nucleotide position 1238. The leucine at codon 413 is replaced by serine, an amino acid with dissimilar properties. This amino acid position is highly conserved in available vertebrate species. In addition, this alteration is predicted to be deleterious by in silico analysis. Since supporting evidence is limited at this time, the clinical significance of this alteration remains unclear.